The following is an entry in ClinVar:

NM_012469.4(PRPF6):c.737C>T (p.Ala246Val)

Gene: PRPF6 (pre-mRNA processing factor 6; plus strand). Cytogenetic location: 20q13.33.
Variant type: single nucleotide variant.
Coding change: c.737C>T on transcript NM_012469.4 (MANE Select); coding-DNA position 737, C replaced by T.
Protein change: p.Ala246Val; replaces alanine 246 with valine.
Molecular consequence: missense variant.
Genome position (GRCh38, 1-based): chr20:63,995,448, C>T. VCF-style: chr20-63995448-C-T. GRCh37 (hg19) VCF-style: chr20-62626801-C-T.
Other names: short protein forms A246V.
Identifiers: ClinVar variation 1976709 (VCV001976709.6), dbSNP rs2517618162, ClinGen allele CA409717227.

ClinVar aggregate classification (germline): Uncertain significance. Review status: criteria provided, multiple submitters, no conflicts (2 of 4 stars). 2 submissions from 2 submitters: Uncertain significance (2). Last evaluated 2024-11-05.

Allele frequency attached by ClinVar (database versions not stated): gnomAD exomes below 0.00001.
gnomAD v4.1: 2 of 1,614,058 alleles (0.00012%); highest among the groups gnomAD compares: Non-Finnish European, 0.00017%; no homozygotes.

Submissions (2):

Labcorp Genetics (formerly Invitae), Labcorp
Classification: Uncertain significance. Last evaluated: 2024-11-05. Review status: criteria provided, single submitter. Criteria: Invitae Variant Classification Sherloc (09022015). Collection method: clinical testing. Allele origin: germline.
Comment: This sequence change replaces alanine, which is neutral and non-polar, with valine, which is neutral and non-polar, at codon 246 of the PRPF6 protein (p.Ala246Val). This variant is not present in population databases (gnomAD no frequency). This variant has not been reported in the literature in individuals affected with PRPF6-related conditions. ClinVar contains an entry for this variant (Variation ID: 1976709). Invitae Evidence Modeling of protein sequence and biophysical properties (such as structural, functional, and spatial information, amino acid conservation, physicochemical variation, residue mobility, and thermodynamic stability) indicates that this missense variant is expected to disrupt PRPF6 protein function with a positive predictive value of 80%. In summary, the available evidence is currently insufficient to determine the role of this variant in disease. Therefore, it has been classified as a Variant of Uncertain Significance.

Blueprint Genetics
Classification: Uncertain significance. Last evaluated: 2020-09-17. Review status: criteria provided, single submitter. Criteria: ACMG Guidelines, 2015. Collection method: clinical testing. Allele origin: germline.